The following is an entry in ClinVar:

ClinVar aggregate classification (germline): Conflicting classifications of pathogenicity. Review status: criteria provided, conflicting classifications (1 of 4 stars). 4 submissions from 4 submitters: Uncertain significance (1); Likely benign (1). 2 of the submissions do not count toward it. Last evaluated 2025-06-16.

Conditions:
Hereditary cancer-predisposing syndrome. Also called: Neoplastic Syndromes, Hereditary; Hereditary Cancer Syndrome; Tumor predisposition; Hereditary neoplastic syndrome. Identifiers: Orphanet 140162, MedGen C0027672, MeSH D009386, MONDO:0015356.
Ataxia-telangiectasia syndrome (AT). Also called: LOUIS-BAR SYNDROME; Cerebello-oculocutaneous telangiectasia; Immunodeficiency with ataxia telangiectasia; Ataxia-telangiectasia, complementation group D; AT, COMPLEMENTATION GROUP C; Ataxia-telangiectasia, complementation group E. Identifiers: Orphanet 100, MedGen C0004135, MONDO:0008840, OMIM 208900.
Malignant tumor of breast. Also called: Malignant breast neoplasm; Cancer breast. Identifiers: MedGen C0006142, MONDO:0007254. Disease mechanism: loss of function.

Allele frequency attached by ClinVar (database versions not stated): gnomAD exomes 0.00001; TOPMed below 0.00001.
gnomAD v4.1: 13 of 1,613,486 alleles (0.00081%); highest among the groups gnomAD compares: Middle Eastern, 0.017%; no homozygotes.

Submissions (4):

Labcorp Genetics (formerly Invitae), Labcorp
Classification: Uncertain significance for Ataxia-telangiectasia syndrome. Last evaluated: 2025-06-16. Review status: criteria provided, single submitter. Criteria: Invitae Variant Classification Sherloc (09022015). Collection method: clinical testing. Allele origin: germline.
Comment: This sequence change replaces isoleucine, which is neutral and non-polar, with valine, which is neutral and non-polar, at codon 2683 of the ATM protein (p.Ile2683Val). This variant is present in population databases (no rsID available, gnomAD 0.002%). This missense change has been observed in individual(s) with breast cancer (PMID: 28779002). ClinVar contains an entry for this variant (Variation ID: 453719). Invitae Evidence Modeling of protein sequence and biophysical properties (such as structural, functional, and spatial information, amino acid conservation, physicochemical variation, residue mobility, and thermodynamic stability) indicates that this missense variant is not expected to disrupt ATM protein function with a negative predictive value of 95%. In summary, the available evidence is currently insufficient to determine the role of this variant in disease. Therefore, it has been classified as a Variant of Uncertain Significance.

Ambry Genetics
Classification: Likely benign for Hereditary cancer-predisposing syndrome. Last evaluated: 2024-06-06. Review status: criteria provided, single submitter. Criteria: Ambry Variant Classification Scheme 2023. Collection method: clinical testing. Allele origin: germline.

Natera, Inc.
Classification: Uncertain significance for Ataxia-telangiectasia. Last evaluated: 2020-04-18. Review status: no assertion criteria provided. Collection method: clinical testing. Allele origin: germline. Not counted in ClinVar's aggregate classification.

Department of Pathology and Laboratory Medicine, Sinai Health System
Classification: Uncertain significance for Malignant tumor of breast. Review status: no assertion criteria provided. Collection method: clinical testing. Allele origin: unknown. Affected: yes. Study: The Canadian Open Genetics Repository (COGR). Not counted in ClinVar's aggregate classification.
Comment: The ATM p.Ile2683Val variant was not identified in the literature nor was it identified in the dbSNP, GeneInsight-COGR, Cosmic, MutDB, LOVD 3.0, databases. The variant was identified in ClinVar and Clinvitae (2x as uncertain significance by Invitae, Ambry Genetics). The variant was identified in control databases in 2 of 246040 chromosomes at a frequency of 0.000008 (Genome Aggregation Database Feb 27, 2017). The variant was identified in the European Non-Finnish population in 2 of 111544 chromosomes (freq: 0.00002), while the variant was not observed in the African, â€šÃ„ÃºOtherâ€šÃ„Ã¹, Latino, Ashkenazi Jewish, East Asian, Finnish, and South Asian populations. The p.Ile2683 residue is conserved in mammals but not in more distantly related organisms however computational analyses (PolyPhen-2, SIFT, AlignGVGD, BLOSUM, MutationTaster) do not suggest a high likelihood of impact to the protein; this information is not predictive enough to rule out pathogenicity. The variant occurs outside of the splicing consensus sequence and in silico or computational prediction software programs (SpliceSiteFinder, MaxEntScan, NNSPLICE, GeneSplicer, HumanSpliceFinder) do not predict a difference in splicing. In summary, based on the above information the clinical significance of this variant cannot be determined with certainty at this time. This variant is classified as a variant of uncertain significance.

Literature cited by the submitters: PubMed 28779002 (cited by Labcorp Genetics (formerly Invitae), Labcorp and Ambry Genetics); PubMed 33471991 (cited by Ambry Genetics).

NM_000051.4(ATM):c.8047A>G (p.Ile2683Val)

Genes: ATM (ATM serine/threonine kinase; plus strand), C11orf65 (chromosome 11 open reading frame 65; minus strand). Cytogenetic location: 11q22.3.
Variant type: single nucleotide variant.
Coding change: c.8047A>G on transcript NM_000051.4 (MANE Select); coding-DNA position 8047, A replaced by G.
Protein change: p.Ile2683Val; replaces isoleucine 2683 with valine.
Molecular consequence: missense variant. On other transcripts: intron variant (2).
Genome position (GRCh38, 1-based): chr11:108,335,005, A>G. VCF-style: chr11-108335005-A-G. GRCh37 (hg19) VCF-style: chr11-108205732-A-G.
Other names: c.8047A>G, p.Ile2683Val (NM_001351834.2); c.641-25934T>C (NM_001330368.2); c.*38+215T>C (NM_001351110.2); short protein forms I2683V.
Identifiers: ClinVar variation 453719 (VCV000453719.17), dbSNP rs587781344, ClinGen allele CA382561910.